The following is an entry in ClinVar:

NM_025219.3(DNAJC5):c.-12+20G>A

Gene: DNAJC5 (DnaJ heat shock protein family (Hsp40) member C5; plus strand). Cytogenetic location: 20q13.33.
Variant type: single nucleotide variant.
Coding change: c.-12+20G>A on transcript NM_025219.3 (MANE Select); 20 bases into the intron after 12 bases upstream of the start codon, G replaced by A.
Molecular consequence: intron variant.
Genome position (GRCh38, 1-based): chr20:63,895,343, G>A. VCF-style: chr20-63895343-G-A. GRCh37 (hg19) VCF-style: chr20-62526696-G-A.
Identifiers: ClinVar variation 379279 (VCV000379279.2), dbSNP rs560162132, ClinGen allele CA16609056.

ClinVar aggregate classification (germline): Benign. Review status: criteria provided, multiple submitters, no conflicts (2 of 4 stars). 2 submissions from 2 submitters: Benign (2). Last evaluated 2016-02-05.

Allele frequency attached by ClinVar (database versions not stated): TOPMed 0.00869; gnomAD 0.01057 and 0.01322; 1000 Genomes Project 30x 0.01936; 1000 Genomes Project 0.04034; gnomAD exomes 0.08140.
gnomAD v4.1: 1,988 of 147,356 alleles (1.3%); highest among the groups gnomAD compares: South Asian, 8.7%; 43 homozygotes.

Submissions (2):

GeneDx
Classification: Benign. Last evaluated: 2016-02-05. Review status: criteria provided, single submitter. Criteria: GeneDx Variant Classification (06012015). Collection method: clinical testing. Allele origin: germline. Affected: yes.
Comment: This variant is considered likely benign or benign based on one or more of the following criteria: it is a conservative change, it occurs at a poorly conserved position in the protein, it is predicted to be benign by multiple in silico algorithms, and/or has population frequency not consistent with disease.

Breakthrough Genomics
Classification: Benign. Review status: criteria provided, single submitter. Criteria: ACMG Guidelines, 2015. Collection method: not provided. Allele origin: germline. Inheritance: Autosomal dominant inheritance. Affected: yes.